The following is an entry in ClinVar:

NM_001008212.2(OPTN):c.1705C>T (p.Gln569Ter)

Gene: OPTN (optineurin; plus strand). Cytogenetic location: 10p13.
Variant type: single nucleotide variant.
Coding change: c.1705C>T on transcript NM_001008212.2 (MANE Select); coding-DNA position 1705, C replaced by T.
Protein change: p.Gln569Ter; replaces glutamine 569 with a stop codon.
Molecular consequence: nonsense.
Genome position (GRCh38, 1-based): chr10:13,136,837, C>T. VCF-style: chr10-13136837-C-T. GRCh37 (hg19) VCF-style: chr10-13178837-C-T.
Other names: c.1705C>T, p.Gln569Ter (NM_001008211.1, NM_001008213.1, NM_021980.4); short protein forms Q569*.
Identifiers: ClinVar variation 1021664 (VCV001021664.7), dbSNP rs1275810602, ClinGen allele CA376030833.

ClinVar aggregate classification (germline): Uncertain significance (1 of 4 stars; one submission).

Conditions:
Primary open angle glaucoma (POAG). Also called: OPTN-related open angle glaucoma. Identifiers: MedGen C0339573, MONDO:0100553, OMIM 137760.
Amyotrophic lateral sclerosis type 12 (ALS12). Also called: AMYOTROPHIC LATERAL SCLEROSIS 12 WITH OR WITHOUT FRONTOTEMPORAL DEMENTIA. Identifiers: Orphanet 803, MedGen C3150692, MONDO:0013264, OMIM 613435.
Glaucoma 1, open angle, E. Identifiers: MedGen C1842026, MONDO:0007665.

Allele frequency attached by ClinVar (database versions not stated): gnomAD exomes below 0.00001 and 0.00002.
gnomAD v4.1: 15 of 1,614,214 alleles (0.00093%); highest among the groups gnomAD compares: Non-Finnish European, 0.0013%; no homozygotes.

Submission:

Labcorp Genetics (formerly Invitae), Labcorp
Classification: Uncertain significance for Primary open angle glaucoma; Glaucoma 1, open angle, E; Amyotrophic lateral sclerosis type 12. Last evaluated: 2025-07-18. Review status: criteria provided, single submitter. Criteria: Invitae Variant Classification Sherloc (09022015). Collection method: clinical testing. Allele origin: germline.
Comment: This sequence change creates a premature translational stop signal (p.Gln569*) in the OPTN gene. While this is not anticipated to result in nonsense mediated decay, it is expected to disrupt the last 9 amino acid(s) of the OPTN protein. This variant is present in population databases (no rsID available, gnomAD 0.0009%). This variant has not been reported in the literature in individuals affected with OPTN-related conditions. ClinVar contains an entry for this variant (Variation ID: 1021664). Experimental studies and prediction algorithms are not available or were not evaluated, and the functional significance of this variant is currently unknown. Algorithms developed to predict the effect of sequence changes on RNA splicing suggest that this variant may disrupt the consensus splice site. In summary, the available evidence is currently insufficient to determine the role of this variant in disease. Therefore, it has been classified as a Variant of Uncertain Significance.